The following is an entry in ClinVar:

NM_001099274.3(TINF2):c.425C>A (p.Pro142His)

Gene: TINF2 (TERF1 interacting nuclear factor 2; minus strand). Cytogenetic location: 14q12.
Variant type: single nucleotide variant.
Coding change: c.425C>A on transcript NM_001099274.3 (MANE Select); coding-DNA position 425, C replaced by A.
Protein change: p.Pro142His; replaces proline 142 with histidine.
Molecular consequence: missense variant.
Genome position (GRCh38, 1-based): chr14:24,241,286, G>T on the plus strand (C>A on the coding strand, the complement: TINF2 is on the minus strand). VCF-style: chr14-24241286-G-T. GRCh37 (hg19) VCF-style: chr14-24710492-G-T.
Other names: c.320C>A, p.Pro107His (NM_001363668.2); c.425C>A, p.Pro142His (NM_012461.3); short protein forms P142H, P107H.
Identifiers: ClinVar variation 3678316 (VCV003678316.2).

ClinVar aggregate classification (germline): Uncertain significance (1 of 4 stars; one submission).

Conditions:
Dyskeratosis congenita. Identifiers: Orphanet 1775, MedGen C0265965, MONDO:0015780.

Submission:

Labcorp Genetics (formerly Invitae), Labcorp
Classification: Uncertain significance for Dyskeratosis congenita. Last evaluated: 2024-07-17. Review status: criteria provided, single submitter. Criteria: Invitae Variant Classification Sherloc (09022015). Collection method: clinical testing. Allele origin: germline.
Comment: This sequence change replaces proline, which is neutral and non-polar, with histidine, which is basic and polar, at codon 142 of the TINF2 protein (p.Pro142His). This variant is present in population databases (rs770995315, gnomAD 0.003%). This variant has not been reported in the literature in individuals affected with TINF2-related conditions. An algorithm developed to predict the effect of missense changes on protein structure and function (PolyPhen-2) suggests that this variant is likely to be disruptive. In summary, the available evidence is currently insufficient to determine the role of this variant in disease. Therefore, it has been classified as a Variant of Uncertain Significance.